The following is an entry in ClinVar:

ClinVar aggregate classification (germline): Uncertain significance (1 of 4 stars; one submission).

Submission:

GeneDx
Classification: Uncertain significance. Last evaluated: 2024-12-07. Review status: criteria provided, single submitter. Criteria: GeneDx Variant Classification Process June 2021. Collection method: clinical testing. Allele origin: germline. Affected: yes.
Comment: Not observed at significant frequency in large population cohorts (gnomAD); In silico analysis supports that this missense variant has a deleterious effect on protein structure/function; Has not been previously published as pathogenic or benign to our knowledge

NM_002430.3(MN1):c.3469C>G (p.Gln1157Glu)

Gene: MN1 (MN1 proto-oncogene, transcriptional regulator; minus strand). Cytogenetic location: 22q12.1.
Variant type: single nucleotide variant.
Coding change: c.3469C>G on transcript NM_002430.3 (MANE Select); coding-DNA position 3469, C replaced by G.
Protein change: p.Gln1157Glu; replaces glutamine 1157 with glutamic acid.
Molecular consequence: missense variant.
Genome position (GRCh38, 1-based): chr22:27,797,075, G>C on the plus strand (C>G on the coding strand, the complement: MN1 is on the minus strand). VCF-style: chr22-27797075-G-C. GRCh37 (hg19) VCF-style: chr22-28193063-G-C.
Other names: short protein forms Q1157E.
Identifiers: ClinVar variation 3901458 (VCV003901458.1).